The following is an entry in ClinVar:

ClinVar aggregate classification (germline): Pathogenic/Likely pathogenic. Review status: criteria provided, multiple submitters, no conflicts (2 of 4 stars). 11 submissions from 11 submitters: Pathogenic (10); Likely pathogenic (1). Last evaluated 2026-04-01.

Conditions:
NF1-related disorder. Also called: NF1-related condition. Identifiers: MedGen CN379171.
Cardiovascular phenotype. Identifiers: MedGen CN230736.
Hereditary cancer-predisposing syndrome. Also called: Neoplastic Syndromes, Hereditary; Tumor predisposition; Hereditary Cancer Syndrome; Hereditary neoplastic syndrome. Identifiers: Orphanet 140162, MedGen C0027672, MeSH D009386, MONDO:0015356.
Juvenile myelomonocytic leukemia (JMML). Also called: LEUKEMIA, JUVENILE MYELOMONOCYTIC, SOMATIC. Identifiers: Orphanet 86834, MedGen C0349639, MONDO:0011908, OMIM 607785, HP:0012209.
Neurofibromatosis, type 1 (NF1). Also called: NEUROFIBROMATOSIS, TYPE I, SOMATIC; Peripheral type neurofibromatosis; Neurofibromatosis, type I; VON RECKLINGHAUSEN DISEASE. Identifiers: Orphanet 636, MedGen C0027831, MONDO:0018975, OMIM 162200. Disease mechanism: loss of function.

Submissions (11):

Department of Genetics, Sultan Qaboos University Hospital
Classification: Pathogenic for Neurofibromatosis, type 1. Last evaluated: 2026-04-01. Review status: criteria provided, single submitter. Criteria: ACMG Guidelines, 2015. Collection method: clinical testing. Allele origin: germline. Affected: yes. Observed: 1 variant allele.
Comment: PVS1_Moderate,PM2,PP5_Very_Strong

PreventionGenetics, part of Exact Sciences
Classification: Pathogenic for NF1-related condition. Last evaluated: 2026-01-27. Review status: criteria provided, single submitter. Criteria: ACMG Guidelines, 2015. Collection method: clinical testing. Allele origin: germline.
Comment: The NF1 c.3113+1G>T variant is predicted to disrupt the GT donor site and interfere with normal splicing. This variant, also described as IVS18+1G>T, has been reported in multiple individuals with clinical features consistent with a diagnosis of neurofibromatosis 1 (Ars et al. 2003. PubMed ID: 12807981; Kang et al. 2019. PubMed ID: 31776437; Griffiths et al. 2007. PubMed ID: 16944272; Pros et al. 2008. PubMed ID: 18546366). This variant has not been reported in a large population database (gnomAD), indicating this variant is rare. Experimental studies demonstrate that this variant disrupts RNA splicing and results in exon skipping (Ars et al. 2000. PubMed ID: 10607834; Ars et al. 2003. PubMed ID: 12807981). This variant is classified as pathogenic in ClinVar (Variation ID: 216062). Variants that disrupt the consensus splice donor site in NF1 are expected to be pathogenic. This variant is interpreted as pathogenic.

3billion
Classification: Pathogenic for Neurofibromatosis, type 1. Last evaluated: 2025-10-19. Review status: criteria provided, single submitter. Criteria: ACMG Guidelines, 2015. Collection method: clinical testing. Allele origin: germline. Affected: yes.
Comment: The variant is not observed in the gnomAD v4.1.0 dataset. Predicted Consequence/Location: Canonical splice site: predicted to alter splicing and result in a loss or disruption of normal protein function. Multiple pathogenic loss-of-function variants are reported downstream of the variant. In silico tools predict the variant to alter splicing and produce an abnormal transcript [SpliceAI: 1.00 (spliceogenicity >=0.2, non-spliceogenicity <0.1)]. The variant has been reported at least twice as pathogenic with clinical assertions and evidence for the classification (ClinVar ID: VCV000216062 /PMID: 12807981). Therefore, this variant is classified as Pathogenic according to the recommendation of ACMG/AMP guideline.

Labcorp Genetics (formerly Invitae), Labcorp
Classification: Pathogenic for Neurofibromatosis, type 1. Last evaluated: 2025-08-20. Review status: criteria provided, single submitter. Criteria: Invitae Variant Classification Sherloc (09022015). Collection method: clinical testing. Allele origin: germline.
Comment: This sequence change affects a donor splice site in intron 23 of the NF1 gene. RNA analysis indicates that disruption of this splice site induces altered splicing and may result in an absent or altered protein product. This variant is not present in population databases (gnomAD no frequency). Disruption of this splice site has been observed in individual(s) with neurofibromatosis type 1 (PMID: 10607834, 12807981, 16944272, 18546366). Invitae Evidence Modeling of clinical and family history, age, sex, and reported ancestry of multiple individuals with this NF1 variant has been performed. This variant is expected to be pathogenic with a positive predictive value of at least 99%. This is a validated machine learning model that incorporates the clinical features of 1,785,918 individuals referred to our laboratory for NF1 testing. This variant is also known as IVS18+1G>T. ClinVar contains an entry for this variant (Variation ID: 216062). Studies have shown that disruption of this splice site results in skipping of exon 23, and produces a non-functional protein and/or introduces a premature termination codon (PMID: 7633431, 10607834, 12807981). For these reasons, this variant has been classified as Pathogenic.

Blueprint Genetics
Classification: Pathogenic for NF1-related disorders. Last evaluated: 2024-10-23. Review status: criteria provided, single submitter. Criteria: ACMG Guidelines, 2015. Collection method: clinical testing. Allele origin: germline. Affected: yes. Observed: 2 variant alleles.

Institute for Genomic Medicine (IGM) Clinical Laboratory, Nationwide Children's Hospital
Classification: Likely pathogenic for Neurofibromatosis, type 1. Last evaluated: 2024-05-22. Review status: criteria provided, single submitter. Criteria: ACMG Guidelines, 2015. Collection method: clinical testing. Allele origin: germline.
Comment: Well-established functional studies have demonstrated this variant to have a damaging effect on protein function or splicing (ACMG/AMP: PS3_Moderate; PMIDs:7633431, 10607834, 12807981). This variant has been reported at an elevated frequency in affected individuals/in multiple affected individuals in the literature (ACMG/AMP: PS4_Moderate; PMIDs:10607834, 12807981, 18546366, 31776437). This variant is absent from or present at an exceedingly low frequency in gnomAD, a large-scale control population database (ACMG/AMP: PM2). This variant is predicted to result in an in-frame insertion or deletion in a non-repetitive region (ACMG/AMP: PM4).

Baylor Genetics
Classification: Pathogenic for Juvenile myelomonocytic leukemia. Last evaluated: 2024-02-25. Review status: criteria provided, single submitter. Criteria: ACMG Guidelines, 2015. Collection method: clinical testing. Allele origin: unknown.

Genome-Nilou Lab
Classification: Pathogenic for Neurofibromatosis, type 1. Last evaluated: 2022-03-15. Review status: criteria provided, single submitter. Criteria: ACMG Guidelines, 2015. Collection method: clinical testing. Allele origin: germline. Affected: no.

Genetics and Molecular Pathology, SA Pathology
Classification: Pathogenic for Neurofibromatosis, type 1. Last evaluated: 2021-10-29. Review status: criteria provided, single submitter. Criteria: ACMG Guidelines, 2015. Collection method: clinical testing. Allele origin: germline. Affected: yes.
Comment: The NF1 c.3113+1G>T variant is classified as Pathogenic (PVS1_Moderate, PS4_Moderate, PM2)

Ambry Genetics
Classification: Pathogenic for Cardiovascular phenotype; Hereditary cancer-predisposing syndrome. Last evaluated: 2021-10-22. Review status: criteria provided, single submitter. Criteria: Ambry Variant Classification Scheme 2023. Collection method: clinical testing. Allele origin: germline.
Comment: The c.3113+1G>T intronic pathogenic mutation results from a G to T substitution one nucleotide after coding exon 23 of the NF1 gene. This mutation has been detected in multiple individuals who fulfilled diagnostic criteria for neurofibromatosis type 1 or with features of NF1 (Griffiths S et al. Fam Cancer, 2007;6:21-34; Sabbagh A et al. Hum Mutat, 2013 Nov;34:1510-8; Kang E et al. J Hum Genet, 2020 Jan;65:79-89). RNA studies have demonstrated that the alteration results in skipping of exon 23, leading to an in-frame deletion in a region critical to protein function (Ars E et al. J Med Genet, 2003 Jun;40:e82). Another alteration impacting the same donor site (c.3113+1G>A) has been detected in NF1 patients and has been shown to result in skipping of exon 23 by RNA studies (Upadhyaya M et al. Hum. Mutat., 2008 Aug;29:E103-11; Thomas L et al. Eur. J. Hum. Genet., 2012 Apr;20:411-9; Emmerich D et al. Eur. J. Hum. Genet., 2015 Jun;23:870-3; Hutter S et al. Hum. Genet., 2016 May;135:469-75; Purandare SM et al. Hum. Mol. Genet., 1995 Apr;4:767-8; Ars E et al. J. Med. Genet., 2003 Jun;40:e82; Pros E et al. Hum. Mutat., 2008 Sep;29:E173-93; Ambry internal data). The c.3113+1G>T variant is considered to be rare based on population cohorts in the Genome Aggregation Database (gnomAD). In addition to the clinical data presented in the literature, alterations that disrupt the canonical splice site are expected to cause aberrant splicing, resulting in an abnormal protein or a transcript that is subject to nonsense-mediated mRNA decay. Based on the supporting evidence, this alteration is interpreted as a disease-causing mutation.

Genomic Research Center, Shahid Beheshti University of Medical Sciences
Classification: Pathogenic for Neurofibromatosis, type 1. Last evaluated: 2020-05-03. Review status: criteria provided, single submitter. Criteria: ACMG Guidelines, 2015. Collection method: clinical testing. Allele origin: unknown. Affected: yes.

Literature cited by the submitters: PubMed 12807981 (cited by 3 submitters); PubMed 10607834 (cited by Labcorp Genetics (formerly Invitae), Labcorp and Institute for Genomic Medicine (IGM) Clinical Laboratory, Nationwide Children's Hospital); PubMed 16944272 (cited by Labcorp Genetics (formerly Invitae), Labcorp); PubMed 18546366 (cited by Labcorp Genetics (formerly Invitae), Labcorp and Institute for Genomic Medicine (IGM) Clinical Laboratory, Nationwide Children's Hospital); PubMed 7633431 (cited by Labcorp Genetics (formerly Invitae), Labcorp and Institute for Genomic Medicine (IGM) Clinical Laboratory, Nationwide Children's Hospital); PubMed 31776437 (cited by Institute for Genomic Medicine (IGM) Clinical Laboratory, Nationwide Children's Hospital).

NM_001042492.3(NF1):c.3113+1G>T

Gene: NF1 (neurofibromin 1; plus strand). Cytogenetic location: 17q11.2.
Variant type: single nucleotide variant.
Coding change: c.3113+1G>T on transcript NM_001042492.3 (MANE Select); the canonical splice donor site of the intron after coding-DNA position 3113, G replaced by T.
Molecular consequence: splice donor variant.
Genome position (GRCh38, 1-based): chr17:31,230,383, G>T. VCF-style: chr17-31230383-G-T. GRCh37 (hg19) VCF-style: chr17-29557401-G-T.
Other names: c.3113+1G>T (NM_000267.4, NM_001042492.2).
Identifiers: ClinVar variation 216062 (VCV000216062.21), dbSNP rs267606599, ClinGen allele CA339278.